The following is an entry in ClinVar:

NM_012144.4(DNAI1):c.1636G>A (p.Val546Met)

Gene: DNAI1 (dynein axonemal intermediate chain 1; plus strand). Cytogenetic location: 9p13.3.
Variant type: single nucleotide variant.
Coding change: c.1636G>A on transcript NM_012144.4 (MANE Select); coding-DNA position 1636, G replaced by A.
Protein change: p.Val546Met; replaces valine 546 with methionine.
Molecular consequence: missense variant.
Genome position (GRCh38, 1-based): chr9:34,514,460, G>A. VCF-style: chr9-34514460-G-A. GRCh37 (hg19) VCF-style: chr9-34514458-G-A.
Other names: c.1648G>A, p.Val550Met (NM_001281428.2); short protein forms V546M, V550M.
Identifiers: ClinVar variation 2194781 (VCV002194781.1), dbSNP rs1013728699, ClinGen allele CA192651607.

ClinVar aggregate classification (germline): Uncertain significance (1 of 4 stars; one submission).

Conditions:
Primary ciliary dyskinesia. Also called: Ciliary dyskinesia. Identifiers: Orphanet 244, MedGen C0008780, MONDO:0016575, HP:0012265.

Allele frequency attached by ClinVar (database versions not stated): gnomAD exomes 0.00001.
gnomAD v4.1: 13 of 1,614,234 alleles (0.00081%); highest among the groups gnomAD compares: South Asian, 0.0011%; no homozygotes.

Submission:

Labcorp Genetics (formerly Invitae), Labcorp
Classification: Uncertain significance for Primary ciliary dyskinesia. Last evaluated: 2021-12-25. Review status: criteria provided, single submitter. Criteria: Invitae Variant Classification Sherloc (09022015). Collection method: clinical testing. Allele origin: germline.
Comment: This sequence change replaces valine, which is neutral and non-polar, with methionine, which is neutral and non-polar, at codon 546 of the DNAI1 protein (p.Val546Met). This variant is present in population databases (no rsID available, gnomAD 0.0009%). This missense change has been observed in individual(s) with primary ciliary dyskinesia (Invitae). Algorithms developed to predict the effect of missense changes on protein structure and function are either unavailable or do not agree on the potential impact of this missense change (SIFT: "Tolerated"; PolyPhen-2: "Probably Damaging"; Align-GVGD: "Class C0"). In summary, the available evidence is currently insufficient to determine the role of this variant in disease. Therefore, it has been classified as a Variant of Uncertain Significance.